The following is an entry in ClinVar:

ClinVar aggregate classification (germline): Uncertain significance (1 of 4 stars; one submission).

Conditions:
Hereditary cancer-predisposing syndrome. Also called: Neoplastic Syndromes, Hereditary; Tumor predisposition; Hereditary Cancer Syndrome; Hereditary neoplastic syndrome. Identifiers: Orphanet 140162, MedGen C0027672, MeSH D009386, MONDO:0015356.

Submission:

Ambry Genetics
Classification: Uncertain significance for Hereditary cancer-predisposing syndrome. Last evaluated: 2017-11-29. Review status: criteria provided, single submitter. Criteria: Ambry Variant Classification Scheme 2023. Collection method: clinical testing. Allele origin: germline.
Comment: The c.2050delG variant, located in coding exon 18 of the MRE11A gene, results from a deletion of one nucleotide at nucleotide position 2050, causing a translational frameshift with a predicted alternate stop codon (p.V684Lfs*15). Frameshifts are typically deleterious in nature, however, this frameshift occurs at the 3' terminus of MRE11A, is not expected to trigger nonsense-mediated mRNA decay, and impacts only the last 25 amino acids of the protein. The exact functional impact of these altered amino acids is unknown at this time.

NM_005591.4(MRE11):c.2050del (p.Val684fs)

Gene: MRE11 (MRE11 double strand break repair nuclease; minus strand). Cytogenetic location: 11q21.
Variant type: Deletion.
Coding change: c.2050del on transcript NM_005591.4 (MANE Select); coding-DNA position 2050, one base deleted (G; older notation c.2050delG).
Protein change: p.Val684fs; shifts the reading frame from valine 684.
Molecular consequence: frameshift variant.
Genome position (GRCh38, 1-based): chr11:94,429,931, C deleted on the plus strand (G on the coding strand, the reverse complement: MRE11 is on the minus strand); the first of 4 consecutive C bases (chr11:94,429,931-94,429,934); deleting any one gives the same sequence. VCF-style (leftmost placement, unchanged base first): chr11-94429930-AC-A. GRCh37 (hg19) VCF-style: chr11-94163096-AC-A.
Other names: c.2050delG (NM_005591.3); c.2047del, p.Val683fs (NM_001330347.2); c.1966del, p.Val656fs (NM_005590.4); short protein forms V656fs, V683fs, V684fs.
Identifiers: ClinVar variation 1800387 (VCV001800387.2), dbSNP rs2496165415, ClinGen allele CA2574952450.
Genomic context (GRCh38, chr11:94,429,930, plus strand): 5'-AGTTAAAAATTAATTAAAATTTAACAATATTACTTATTTACCTCACTTGATTCAAAATCA[AC>A]CCCTTTCGATACTTGACTCTGGGACATGATTTTGCTGGATGATGTGCTGGACCACCTGAG-3'